The following is an entry in ClinVar:

ClinVar aggregate classification (germline): Conflicting classifications of pathogenicity. Review status: criteria provided, conflicting classifications (1 of 4 stars). 11 submissions from 11 submitters: Uncertain significance (1); Benign (1); Likely benign (7). 2 of the submissions do not count toward it. Last evaluated 2026-07-01.

Conditions:
Cardiovascular phenotype. Identifiers: MedGen CN230736.
Ehlers-Danlos syndrome (EDS). Identifiers: Orphanet 98249, MedGen C0013720, MONDO:0020066.

Allele frequency attached by ClinVar (database versions not stated): 1000 Genomes Project 0.00060; 1000 Genomes Project 30x 0.00062; TOPMed 0.00084.
gnomAD v4.1: 2,457 of 1,550,356 alleles (0.16%); highest among the groups gnomAD compares: Non-Finnish European, 0.17%; 2 homozygotes.

Submissions (11):

CeGaT Center for Human Genetics Tuebingen
Classification: Likely benign. Last evaluated: 2026-07-01. Review status: criteria provided, single submitter. Criteria: CeGaT Center For Human Genetics Tuebingen Variant Classification Criteria Version 2. Collection method: clinical testing. Allele origin: germline. Affected: yes. Observed: 8 variant alleles.
Comment: ZNF469: BP4, BP7

Labcorp Genetics (formerly Invitae), Labcorp
Classification: Likely benign. Last evaluated: 2026-02-02. Review status: criteria provided, single submitter. Criteria: Invitae Variant Classification Sherloc (09022015). Collection method: clinical testing. Allele origin: germline.

Mayo Clinic Laboratories, Mayo Clinic
Classification: Likely benign. Last evaluated: 2025-12-05. Review status: criteria provided, single submitter. Criteria: ACMG Guidelines, 2015. Collection method: clinical testing. Allele origin: germline. Observed: 13 variant alleles.
Comment: BS1, BP4, BP7

Women's Health and Genetics/Laboratory Corporation of America, LabCorp
Classification: Likely benign. Last evaluated: 2025-04-07. Review status: criteria provided, single submitter. Criteria: LabCorp Variant Classification Summary - May 2015. Collection method: clinical testing. Allele origin: germline.

Blueprint Genetics
Classification: Likely benign. Last evaluated: 2024-11-14. Review status: criteria provided, single submitter. Criteria: ACMG Guidelines, 2015. Collection method: clinical testing. Allele origin: germline.

Genome Diagnostics Laboratory, The Hospital for Sick Children
Classification: Likely benign for Ehlers-Danlos syndrome. Last evaluated: 2021-08-11. Review status: criteria provided, single submitter. Criteria: ACMG Guidelines, 2015. Collection method: clinical testing. Allele origin: germline.

GeneDx
Classification: Likely benign. Last evaluated: 2021-05-05. Review status: criteria provided, single submitter. Criteria: GeneDx Variant Classification Process June 2021. Collection method: clinical testing. Allele origin: germline. Affected: yes.
Comment: This variant is associated with the following publications: (PMID: 24895405)

Ambry Genetics
Classification: Benign for Cardiovascular phenotype. Last evaluated: 2019-07-12. Review status: criteria provided, single submitter. Criteria: Ambry Variant Classification Scheme 2023. Collection method: clinical testing. Allele origin: germline.

Eurofins Ntd Llc (ga)
Classification: Uncertain significance. Last evaluated: 2015-09-22. Review status: criteria provided, single submitter. Criteria: EGL Classification Definitions 2015. Collection method: clinical testing. Allele origin: germline. Observed: 1 variant allele, 1 heterozygote.

Clinical Genetics DNA and cytogenetics Diagnostics Lab, Erasmus MC, Erasmus Medical Center
Classification: Likely benign. Review status: no assertion criteria provided. Collection method: clinical testing. Allele origin: germline. Affected: yes. Study: VKGL Data-share Consensus. Not counted in ClinVar's aggregate classification.

Genome Diagnostics Laboratory, Amsterdam University Medical Center
Classification: Likely benign. Review status: no assertion criteria provided. Collection method: clinical testing. Allele origin: germline. Affected: yes. Study: VKGL Data-share Consensus. Not counted in ClinVar's aggregate classification.

NM_001367624.2(ZNF469):c.5340C>G (p.Pro1780=)

Gene: ZNF469 (zinc finger protein 469; plus strand). Cytogenetic location: 16q24.2.
Variant type: single nucleotide variant.
Coding change: c.5340C>G on transcript NM_001367624.2 (MANE Select); coding-DNA position 5340, C replaced by G.
Protein change: p.Pro1780=; no amino-acid change (proline 1780 retained).
Molecular consequence: synonymous variant.
Genome position (GRCh38, 1-based): chr16:88,432,810, C>G. VCF-style: chr16-88432810-C-G. GRCh37 (hg19) VCF-style: chr16-88499218-C-G.
Other names: NM_001127464.1:c.5256C>G; NM_001127464.2:c.5256C>G; p.Pro1780=.
Identifiers: ClinVar variation 282945 (VCV000282945.64), dbSNP rs184374078, ClinGen allele CA8225068.